The following is an entry in ClinVar:

ClinVar aggregate classification (germline): no classifications from unflagged records (0 of 4 stars; one submission).

Conditions:
Neurodevelopmental disorder with dysmorphic facies and cerebellar hypoplasia. Identifiers: MedGen C5543332, MONDO:0859141, OMIM 619306.

Allele frequency attached by ClinVar (database versions not stated): gnomAD 0.00001; gnomAD exomes 0.00001 and 0.00002; ExAC 0.00002; TOPMed 0.00002; 1000 Genomes Project 30x 0.00016; 1000 Genomes Project 0.00020.
gnomAD v4.1: 13 of 1,613,934 alleles (0.00081%); highest among the groups gnomAD compares: Admixed American, 0.005%; no homozygotes.

Submission:

OMIM
Classification: Pathogenic for NEURODEVELOPMENTAL DISORDER WITH DYSMORPHIC FACIES AND CEREBELLAR HYPOPLASIA. Last evaluated: 2021-05-07. Review status: flagged submission. Collection method: literature only. Allele origin: germline.
ClinVar note: Notes: Flagging candidate with reason of insufficient supporting evidence. This gene has been classified as having a limited gene-disease relationship by a ClinGen Expert Panel.
ClinVar note: Reason: Other

Literature cited by the submitters: PubMed 32639540.

NM_018303.6(EXOC2):c.389G>A (p.Arg130His)

Gene: EXOC2 (exocyst complex component 2; minus strand). Cytogenetic location: 6p25.3.
Variant type: single nucleotide variant.
Coding change: c.389G>A on transcript NM_018303.6 (MANE Select); coding-DNA position 389, G replaced by A.
Protein change: p.Arg130His; replaces arginine 130 with histidine.
Molecular consequence: missense variant. On other transcripts: non-coding transcript variant (1).
Genome position (GRCh38, 1-based): chr6:629,868, C>T on the plus strand (G>A on the coding strand, the complement: EXOC2 is on the minus strand). VCF-style: chr6-629868-C-T. GRCh37 (hg19) VCF-style: chr6-629868-C-T.
Other names: short protein forms R130H.
Identifiers: ClinVar variation 1074297 (VCV001074297.1), dbSNP rs138470165, ClinGen allele CA3613870.